The following is an entry in ClinVar:

NM_005591.4(MRE11):c.927G>T (p.Met309Ile)

Gene: MRE11 (MRE11 double strand break repair nuclease; minus strand). Cytogenetic location: 11q21.
Variant type: single nucleotide variant.
Coding change: c.927G>T on transcript NM_005591.4 (MANE Select); coding-DNA position 927, G replaced by T.
Protein change: p.Met309Ile; replaces methionine 309 with isoleucine.
Molecular consequence: missense variant.
Genome position (GRCh38, 1-based): chr11:94,470,561, C>A on the plus strand (G>T on the coding strand, the complement: MRE11 is on the minus strand). VCF-style: chr11-94470561-C-A. GRCh37 (hg19) VCF-style: chr11-94203727-C-A.
Other names: c.927G>T, p.Met309Ile (NM_001330347.2, NM_005590.4); short protein forms M309I.
Identifiers: ClinVar variation 3224873 (VCV003224873.1), dbSNP rs2135039698, ClinGen allele CA382374441.

ClinVar aggregate classification (germline): Uncertain significance (1 of 4 stars; one submission).

Conditions:
Hereditary cancer-predisposing syndrome. Also called: Neoplastic Syndromes, Hereditary; Tumor predisposition; Hereditary neoplastic syndrome; Hereditary Cancer Syndrome. Identifiers: Orphanet 140162, MedGen C0027672, MeSH D009386, MONDO:0015356.

Submission:

Ambry Genetics
Classification: Uncertain significance for Hereditary cancer-predisposing syndrome. Last evaluated: 2023-11-16. Review status: criteria provided, single submitter. Criteria: Ambry Variant Classification Scheme 2023. Collection method: clinical testing. Allele origin: germline.
Comment: The p.M309I variant (also known as c.927G>T), located in coding exon 8 of the MRE11A gene, results from a G to T substitution at nucleotide position 927. The methionine at codon 309 is replaced by isoleucine, an amino acid with highly similar properties. This amino acid position is conserved. In addition, this alteration is predicted to be tolerated by in silico analysis. Since supporting evidence is limited at this time, the clinical significance of this alteration remains unclear.